The following is an entry in ClinVar:

NM_006445.4(PRPF8):c.6938A>C (p.His2313Pro)

Gene: PRPF8 (pre-mRNA processing factor 8; minus strand). Cytogenetic location: 17p13.3.
Variant type: single nucleotide variant.
Coding change: c.6938A>C on transcript NM_006445.4 (MANE Select); coding-DNA position 6938, A replaced by C.
Protein change: p.His2313Pro; replaces histidine 2313 with proline.
Molecular consequence: missense variant.
Genome position (GRCh38, 1-based): chr17:1,650,872, T>G on the plus strand (A>C on the coding strand, the complement: PRPF8 is on the minus strand). VCF-style: chr17-1650872-T-G. GRCh37 (hg19) VCF-style: chr17-1554166-T-G.
Other names: short protein forms H2313P.
Identifiers: ClinVar variation 3248875 (VCV003248875.3).

ClinVar aggregate classification (germline): Likely pathogenic. Review status: criteria provided, multiple submitters, no conflicts (2 of 4 stars). 2 submissions from 2 submitters: Likely pathogenic (2). Last evaluated 2024-11-29.

Conditions:
Retinal dystrophy. Also called: Inherited retinal dystrophy. Identifiers: Orphanet 71862, MedGen C0854723, MeSH D058499, MONDO:0019118, HP:0000556.

Submissions (2):

Labcorp Genetics (formerly Invitae), Labcorp
Classification: Likely pathogenic. Last evaluated: 2024-11-29. Review status: criteria provided, single submitter. Criteria: Invitae Variant Classification Sherloc (09022015). Collection method: clinical testing. Allele origin: germline.
Comment: This sequence change replaces histidine, which is basic and polar, with proline, which is neutral and non-polar, at codon 2313 of the PRPF8 protein (p.His2313Pro). This variant is not present in population databases (gnomAD no frequency). This missense change has been observed in individuals with retinitis pigmentosa (PMID: 36819107; internal data). Invitae Evidence Modeling of protein sequence and biophysical properties (such as structural, functional, and spatial information, amino acid conservation, physicochemical variation, residue mobility, and thermodynamic stability) indicates that this missense variant is expected to disrupt PRPF8 protein function with a positive predictive value of 80%. This variant disrupts the p.His2313 amino acid residue in PRPF8. Other variant(s) that disrupt this residue have been determined to be pathogenic (PMID: 30029497, 32531858, 33598457). This suggests that this residue is clinically significant, and that variants that disrupt this residue are likely to be disease-causing. In summary, the currently available evidence indicates that the variant is pathogenic, but additional data are needed to prove that conclusively. Therefore, this variant has been classified as Likely Pathogenic.

Institute of Human Genetics, Univ. Regensburg, Univ. Regensburg
Classification: Likely pathogenic for Retinal dystrophy. Last evaluated: 2020-01-01. Review status: criteria provided, single submitter. Criteria: ACMG Guidelines, 2015. Collection method: clinical testing. Allele origin: germline. Affected: yes.

Literature cited by the submitters: PubMed 36819107 (cited by Labcorp Genetics (formerly Invitae), Labcorp and Institute of Human Genetics, Univ. Regensburg, Univ. Regensburg); PubMed 30029497 (cited by Labcorp Genetics (formerly Invitae), Labcorp); PubMed 32531858 (cited by Labcorp Genetics (formerly Invitae), Labcorp); PubMed 33598457 (cited by Labcorp Genetics (formerly Invitae), Labcorp); PubMed 3646071 (cited by Institute of Human Genetics, Univ. Regensburg, Univ. Regensburg).